The following is an entry in ClinVar:

NM_001377.3(DYNC2H1):c.7839+149G>A

Gene: DYNC2H1 (dynein cytoplasmic 2 heavy chain 1; plus strand). Cytogenetic location: 11q22.3.
Variant type: single nucleotide variant.
Coding change: c.7839+149G>A on transcript NM_001377.3 (MANE Select); 149 bases into the intron after coding-DNA position 7839, G replaced by A.
Molecular consequence: intron variant.
Genome position (GRCh38, 1-based): chr11:103,198,212, G>A. VCF-style: chr11-103198212-G-A. GRCh37 (hg19) VCF-style: chr11-103068941-G-A.
Other names: c.7839+149G>A (NM_001080463.2).
Identifiers: ClinVar variation 669450 (VCV000669450.1), dbSNP rs11225600, ClinGen allele CA13523529.
Genomic context (GRCh38, chr11:103,198,212, plus strand): 5'-TGATAGATTGTAGAATAGGCAAAGCTGGTTCTTATCTTTTGGAATTTAGTCCATTGTGGC[G>A]GATGTAACGAGATGTGCCTGTACTTACATAGATATGTGTAAAATTGCTAAGATACATTTT-3'

ClinVar aggregate classification (germline): Benign (1 of 4 stars; one submission).

Allele frequency attached by ClinVar (database versions not stated): 1000 Genomes Project 0.03355; 1000 Genomes Project 30x 0.03513; gnomAD 0.04834 and 0.04936; TOPMed 0.05090; gnomAD exomes 0.06138.
gnomAD v4.1: 53,901 of 908,772 alleles (5.9%); highest among the groups gnomAD compares: Non-Finnish European, 6.9%; 1,991 homozygotes.

Submission:

GeneDx
Classification: Benign. Last evaluated: 2018-06-19. Review status: criteria provided, single submitter. Criteria: GeneDx Variant Classification (06012015). Collection method: clinical testing. Allele origin: germline. Affected: yes.
Comment: This variant is considered likely benign or benign based on one or more of the following criteria: it is a conservative change, it occurs at a poorly conserved position in the protein, it is predicted to be benign by multiple in silico algorithms, and/or has population frequency not consistent with disease.